The following is an entry in ClinVar:

ClinVar aggregate classification (germline): Likely benign (0 of 4 stars; one submission).

Conditions:
SEMA3B-related disorder. Also called: SEMA3B-related condition.

Allele frequency attached by ClinVar (database versions not stated): ExAC 0.00003; ESP Exome Variant Server 0.00016; gnomAD 0.00016; TOPMed 0.00020; gnomAD exomes 0.00001.
gnomAD v4.1: 39 of 1,599,114 alleles (0.0024%); highest among the groups gnomAD compares: African/African-American, 0.046%; no homozygotes.

Submission:

PreventionGenetics, part of Exact Sciences
Classification: Likely benign for SEMA3B-related condition. Last evaluated: 2022-08-29. Review status: no assertion criteria provided. Collection method: clinical testing. Allele origin: germline.
Comment: This variant is classified as likely benign based on ACMG/AMP sequence variant interpretation guidelines (Richards et al. 2015 PMID: 25741868, with internal and published modifications).

NM_001290060.2(SEMA3B):c.450+3A>G

Gene: SEMA3B (semaphorin 3B; plus strand). Cytogenetic location: 3p21.31.
Variant type: single nucleotide variant.
Coding change: c.450+3A>G on transcript NM_001290060.2 (MANE Select); 3 bases into the intron after coding-DNA position 450, A replaced by G.
Molecular consequence: intron variant.
Genome position (GRCh38, 1-based): chr3:50,271,012, A>G. VCF-style: chr3-50271012-A-G. GRCh37 (hg19) VCF-style: chr3-50308443-A-G.
Other names: c.450+3A>G (NM_004636.4, NM_001005914.3, NM_001290061.1).
Identifiers: ClinVar variation 3056699 (VCV003056699.2), dbSNP rs372431027, ClinGen allele CA2413754.
Genomic context (GRCh38, chr3:50,271,012, plus strand): 5'-TGGCACGGGAGCCTTCCACCCAACCTGTGCCTTTGTGGAAGTGGGCCACCGGGCAGAGGT[A>G]AGGCCGGATCTAGGCAGGGAGGGAGGTCAGGAGGGTAAGAAGGGCCTGGTAGTCACAACT-3'